The following is an entry in ClinVar:

NC_000007.14:g.(?_128842221)_(128850084_?)del

Gene: FLNC (filamin C; plus strand). Cytogenetic location: 7q32.1.
Variant type: Deletion.
Identifiers: ClinVar variation 831409 (VCV000831409.6).

ClinVar aggregate classification (germline): Uncertain significance (1 of 4 stars; one submission).

Conditions:
Myofibrillar myopathy 5. Also called: Filaminopathy (type); FILAMINOPATHY, AUTOSOMAL DOMINANT. Identifiers: Orphanet 171445, MedGen C1836050, MONDO:0012289, OMIM 609524.
Hypertrophic cardiomyopathy 26. Also called: Cardiomyopathy, familial hypertrophic, 26. Identifiers: Orphanet 75249, MedGen C4310749, MONDO:0014883, OMIM 617047.
Distal myopathy with posterior leg and anterior hand involvement. Also called: WILLIAMS DISTAL MYOPATHY. Identifiers: Orphanet 63273, MedGen C3279722, MONDO:0013550, OMIM 614065.
Dilated Cardiomyopathy, Dominant.

Submission:

Labcorp Genetics (formerly Invitae), Labcorp
Classification: Uncertain significance for Distal myopathy with posterior leg and anterior hand involvement; Myofibrillar myopathy 5; Hypertrophic cardiomyopathy 26. Last evaluated: 2019-06-18. Review status: criteria provided, single submitter. Criteria: Invitae Variant Classification Sherloc (09022015). Collection method: clinical testing. Allele origin: germline.
Comment: In summary, the available evidence is currently insufficient to determine the role of this variant in disease. Therefore, it has been classified as a Variant of Uncertain Significance. Experimental studies and prediction algorithms are not available or were not evaluated for this variant, and the functional significance of the affected amino acid(s) is currently unknown. This variant has not been reported in the literature in individuals with FLNC-related conditions. This variant is an in-frame deletion of the genomic region encompassing exons 14-31 of the FLNC gene. It preserves the integrity of the reading frame.